The following is an entry in ClinVar:

NM_003185.4(TAF4):c.284C>G (p.Ala95Gly)

Gene: TAF4 (TATA-box binding protein associated factor 4; minus strand). Cytogenetic location: 20q13.33.
Variant type: single nucleotide variant.
Coding change: c.284C>G on transcript NM_003185.4 (MANE Select); coding-DNA position 284, C replaced by G.
Protein change: p.Ala95Gly; replaces alanine 95 with glycine.
Molecular consequence: missense variant.
Genome position (GRCh38, 1-based): chr20:62,065,527, G>C on the plus strand (C>G on the coding strand, the complement: TAF4 is on the minus strand). VCF-style: chr20-62065527-G-C. GRCh37 (hg19) VCF-style: chr20-60640583-G-C.
Other names: short protein forms A95G.
Identifiers: ClinVar variation 4281426 (VCV004281426.7).

ClinVar aggregate classification (germline): Uncertain significance (1 of 4 stars; one submission).

Submission:

CeGaT Center for Human Genetics Tuebingen
Classification: Uncertain significance. Last evaluated: 2025-09-01. Review status: criteria provided, single submitter. Criteria: CeGaT Center For Human Genetics Tuebingen Variant Classification Criteria Version 2. Collection method: clinical testing. Allele origin: germline. Affected: yes. Observed: 1 variant allele.
Comment: TAF4: PM2